The following is an entry in ClinVar:

ClinVar aggregate classification (germline): Likely benign (0 of 4 stars; one submission).

Conditions:
FCGR2A-related disorder. Also called: FCGR2A-related condition.

Allele frequency attached by ClinVar (database versions not stated): gnomAD exomes 0.00005; TOPMed 0.00005; gnomAD 0.00006; ExAC 0.00007; ESP Exome Variant Server 0.00015; 1000 Genomes Project 30x 0.00016; 1000 Genomes Project 0.00020.
gnomAD v4.1: 78 of 1,614,234 alleles (0.0048%); highest among the groups gnomAD compares: South Asian, 0.037%; no homozygotes.

Submission:

PreventionGenetics, part of Exact Sciences
Classification: Likely benign for FCGR2A-related condition. Last evaluated: 2019-04-12. Review status: no assertion criteria provided. Collection method: clinical testing. Allele origin: germline.
Comment: This variant is classified as likely benign based on ACMG/AMP sequence variant interpretation guidelines (Richards et al. 2015 PMID: 25741868, with internal and published modifications).

NM_001136219.3(FCGR2A):c.153C>T (p.Asn51=)

Gene: FCGR2A (Fc gamma receptor IIa; plus strand). Cytogenetic location: 1q23.3.
Variant type: single nucleotide variant.
Coding change: c.153C>T on transcript NM_001136219.3 (MANE Select); coding-DNA position 153, C replaced by T.
Protein change: p.Asn51=; no amino-acid change (asparagine 51 retained).
Molecular consequence: synonymous variant.
Genome position (GRCh38, 1-based): chr1:161,506,380, C>T. VCF-style: chr1-161506380-C-T. GRCh37 (hg19) VCF-style: chr1-161476170-C-T.
Other names: c.153C>T, p.Asn51= (NM_001375296.1); c.150C>T, p.Asn50= (NM_001375297.1, NM_021642.5).
Identifiers: ClinVar variation 3059662 (VCV003059662.2), dbSNP rs374255678, ClinGen allele CA1210557.